The following is an entry in ClinVar:

ClinVar aggregate classification (germline): Uncertain significance (1 of 4 stars; one submission).

Conditions:
3-hydroxyisobutyryl-CoA hydrolase deficiency. Also called: VALINE METABOLIC DEFECT; Reduced circulating 3-hydroxyisobutyryl-CoA hydrolase activity; Deficiency of 3-hydroxyisobutyryl CoA hydrolase; HIBCH DEFICIENCY; METHACRYLIC ACID TOXICITY; METHACRYLIC ACIDURIA. Identifiers: Orphanet 88639, MedGen C0342738, MONDO:0009603, OMIM 250620, HP:6000215.

gnomAD v4.1: 1 of 1,612,940 alleles (0.000062%); no homozygotes.

Submission:

Labcorp Genetics (formerly Invitae), Labcorp
Classification: Uncertain significance for 3-hydroxyisobutyryl-CoA hydrolase deficiency. Last evaluated: 2021-05-19. Review status: criteria provided, single submitter. Criteria: Invitae Variant Classification Sherloc (09022015). Collection method: clinical testing. Allele origin: germline.
Comment: In summary, the available evidence is currently insufficient to determine the role of this variant in disease. Therefore, it has been classified as a Variant of Uncertain Significance. Algorithms developed to predict the effect of missense changes on protein structure and function output the following: SIFT: "Tolerated"; PolyPhen-2: "Benign"; Align-GVGD: "Class C0". The leucine amino acid residue is found in multiple mammalian species, suggesting that this missense change does not adversely affect protein function. These predictions have not been confirmed by published functional studies and their clinical significance is uncertain. This variant has not been reported in the literature in individuals with HIBCH-related conditions. This variant is not present in population databases (ExAC no frequency). This sequence change replaces arginine with leucine at codon 4 of the HIBCH protein (p.Arg4Leu). The arginine residue is weakly conserved and there is a moderate physicochemical difference between arginine and leucine.

NM_014362.4(HIBCH):c.11G>T (p.Arg4Leu)

Gene: HIBCH (3-hydroxyisobutyryl-CoA hydrolase; minus strand). Cytogenetic location: 2q32.2.
Variant type: single nucleotide variant.
Coding change: c.11G>T on transcript NM_014362.4 (MANE Select); coding-DNA position 11, G replaced by T.
Protein change: p.Arg4Leu; replaces arginine 4 with leucine.
Molecular consequence: missense variant.
Genome position (GRCh38, 1-based): chr2:190,319,740, C>A on the plus strand (G>T on the coding strand, the complement: HIBCH is on the minus strand). VCF-style: chr2-190319740-C-A. GRCh37 (hg19) VCF-style: chr2-191184466-C-A.
Other names: c.11G>T, p.Arg4Leu (NM_198047.3); short protein forms R4L.
Identifiers: ClinVar variation 1395708 (VCV001395708.8), dbSNP rs749741622, ClinGen allele CA349897263.